The following is an entry in ClinVar:

NM_024422.6(DSC2):c.2354A>G (p.Glu785Gly)

Gene: DSC2 (desmocollin 2; minus strand). Cytogenetic location: 18q12.1.
Variant type: single nucleotide variant.
Coding change: c.2354A>G on transcript NM_024422.6 (MANE Select); coding-DNA position 2354, A replaced by G.
Protein change: p.Glu785Gly; replaces glutamic acid 785 with glycine.
Molecular consequence: missense variant.
Genome position (GRCh38, 1-based): chr18:31,069,048, T>C on the plus strand (A>G on the coding strand, the complement: DSC2 is on the minus strand). VCF-style: chr18-31069048-T-C. GRCh37 (hg19) VCF-style: chr18-28649014-T-C.
Other names: c.2354A>G, p.Glu785Gly (NM_004949.5); short protein forms E785G.
Identifiers: ClinVar variation 998654 (VCV000998654.16), dbSNP rs769747496, ClinGen allele CA036358.

ClinVar aggregate classification (germline): Uncertain significance. Review status: criteria provided, multiple submitters, no conflicts (2 of 4 stars). 5 submissions from 5 submitters: Uncertain significance (5). Last evaluated 2025-08-25.

Conditions:
Cardiomyopathy (CMYO). Also called: Cardiomyopathies. Identifiers: Orphanet 167848, MedGen C0878544, MONDO:0004994, HP:0001638. Inheritance: Various modes of inheritance.
Familial isolated arrhythmogenic right ventricular dysplasia. Identifiers: Orphanet 217656, MedGen C4274968, MONDO:0016342.
Arrhythmogenic right ventricular dysplasia 11. Also called: Arrhythmogenic Right Ventricular Dysplasia/Cardiomyopathy11; ARRHYTHMOGENIC RIGHT VENTRICULAR DYSPLASIA, FAMILIAL, 11; Arrhythmogenic right ventricular dysplasia 11 with mild palmoplantar keratoderma and woolly hair. Identifiers: MedGen C1864850, MONDO:0012506, OMIM 610476.
Cardiovascular phenotype. Identifiers: MedGen CN230736.

Allele frequency attached by ClinVar (database versions not stated): TOPMed below 0.00001; ExAC 0.00002; gnomAD exomes 0.00002 and 0.00001; gnomAD 0.00001.

Submissions (5):

Labcorp Genetics (formerly Invitae), Labcorp
Classification: Uncertain significance for Arrhythmogenic right ventricular dysplasia 11. Last evaluated: 2025-08-25. Review status: criteria provided, single submitter. Criteria: Invitae Variant Classification Sherloc (09022015). Collection method: clinical testing. Allele origin: germline.
Comment: This sequence change replaces glutamic acid, which is acidic and polar, with glycine, which is neutral and non-polar, at codon 785 of the DSC2 protein (p.Glu785Gly). This variant is present in population databases (rs769747496, gnomAD 0.003%). This missense change has been observed in individual(s) with dilated cardiomyopathy (PMID: 31983221). ClinVar contains an entry for this variant (Variation ID: 998654). Invitae Evidence Modeling of protein sequence and biophysical properties (such as structural, functional, and spatial information, amino acid conservation, physicochemical variation, residue mobility, and thermodynamic stability) indicates that this missense variant is expected to disrupt DSC2 protein function with a positive predictive value of 80%. In summary, the available evidence is currently insufficient to determine the role of this variant in disease. Therefore, it has been classified as a Variant of Uncertain Significance.

Color Diagnostics, LLC DBA Color Health
Classification: Uncertain significance for Cardiomyopathy. Last evaluated: 2025-06-02. Review status: criteria provided, single submitter. Criteria: ACMG Guidelines, 2015. Collection method: clinical testing. Allele origin: germline.
Comment: This missense variant replaces glutamic acid with glycine at codon 785 of the DSC2 protein. Computational prediction suggests that this variant may not impact protein structure and function. To our knowledge, functional studies have not been reported for this variant. This variant has been reported in an individual affected with dilated cardiomyopathy (PMID: 31983221). This variant has been identified in 3/251122 chromosomes in the general population by the Genome Aggregation Database (gnomAD). The available evidence is insufficient to determine the role of this variant in disease conclusively. Therefore, this variant is classified as a Variant of Uncertain Significance.

GeneDx
Classification: Uncertain significance. Last evaluated: 2023-10-12. Review status: criteria provided, single submitter. Criteria: GeneDx Variant Classification Process June 2021. Collection method: clinical testing. Allele origin: germline. Affected: yes.
Comment: Identified in a patient with DCM in published literature (Mazzarotto et al., 2020); Not observed at significant frequency in large population cohorts (gnomAD); In silico analysis supports that this missense variant has a deleterious effect on protein structure/function; This variant is associated with the following publications: (PMID: 31983221)

All of Us Research Program, National Institutes of Health
Classification: Uncertain significance for Familial isolated arrhythmogenic right ventricular dysplasia. Last evaluated: 2023-05-16. Review status: criteria provided, single submitter. Criteria: ACMG Guidelines, 2015. Collection method: clinical testing. Allele origin: germline. Inheritance: Autosomal dominant inheritance. Observed: 1 variant allele, 1 heterozygote.
Comment: This missense variant replaces glutamic acid with glycine at codon 785 of the DSC2 protein. Computational prediction suggests that this variant may not impact protein structure and function (internally defined REVEL score threshold <= 0.5, PMID: 27666373). To our knowledge, functional studies have not been reported for this variant. This variant has been reported in an individual affected with dilated cardiomyopathy (PMID: 31983221). This variant has been identified in 3/251122 chromosomes in the general population by the Genome Aggregation Database (gnomAD). The available evidence is insufficient to determine the role of this variant in disease conclusively. Therefore, this variant is classified as a Variant of Uncertain Significance.

This study involves interpretation of variants in research participants for the purpose of population health screening. Participant phenotype was not available at the time of variant classification. Additional details can be found in publication PMID: 35346344, PMCID: PMC8962531

Ambry Genetics
Classification: Uncertain significance for Cardiovascular phenotype. Last evaluated: 2019-10-18. Review status: criteria provided, single submitter. Criteria: Ambry Variant Classification Scheme 2023. Collection method: clinical testing. Allele origin: germline.
Comment: The p.E785G variant (also known as c.2354A>G), located in coding exon 15 of the DSC2 gene, results from an A to G substitution at nucleotide position 2354. The glutamic acid at codon 785 is replaced by glycine, an amino acid with similar properties. This amino acid position is well conserved in available vertebrate species. In addition, the in silico prediction for this alteration is inconclusive. Since supporting evidence is limited at this time, the clinical significance of this alteration remains unclear.

Literature cited by the submitters: PubMed 31983221 (cited by 3 submitters).